The following is an entry in ClinVar:

ClinVar aggregate classification (germline): Uncertain significance. Review status: criteria provided, multiple submitters, no conflicts (2 of 4 stars). 2 submissions from 2 submitters: Uncertain significance (2). Last evaluated 2025-05-15.

Conditions:
Inborn genetic diseases. Identifiers: MedGen C0950123, MeSH D030342.

Allele frequency attached by ClinVar (database versions not stated): gnomAD 0.00001; gnomAD exomes 0.00001; TOPMed 0.00001.
gnomAD v4.1: 4 of 1,600,904 alleles (0.00025%); highest among the groups gnomAD compares: African/African-American, 0.0013%; no homozygotes.

Submissions (2):

Ambry Genetics
Classification: Uncertain significance for Inborn genetic diseases. Last evaluated: 2025-05-15. Review status: criteria provided, single submitter. Criteria: Ambry Variant Classification Scheme 2023. Collection method: clinical testing. Allele origin: germline.

CeGaT Center for Human Genetics Tuebingen
Classification: Uncertain significance. Last evaluated: 2023-08-01. Review status: criteria provided, single submitter. Criteria: CeGaT Center For Human Genetics Tuebingen Variant Classification Criteria Version 2. Collection method: clinical testing. Allele origin: germline. Affected: yes. Observed: 1 variant allele.
Comment: BRPF1: PP2, PS2:Supporting, BP5

NM_001003694.2(BRPF1):c.3370G>A (p.Val1124Ile)

Gene: BRPF1 (bromodomain and PHD finger containing 1; plus strand). Cytogenetic location: 3p25.3.
Variant type: single nucleotide variant.
Coding change: c.3370G>A on transcript NM_001003694.2 (MANE Select); coding-DNA position 3370, G replaced by A.
Protein change: p.Val1124Ile; replaces valine 1124 with isoleucine.
Molecular consequence: missense variant. On other transcripts: non-coding transcript variant (1).
Genome position (GRCh38, 1-based): chr3:9,746,345, G>A. VCF-style: chr3-9746345-G-A. GRCh37 (hg19) VCF-style: chr3-9788029-G-A.
Other names: c.3067G>A, p.Val1023Ile (NM_001319049.2); c.3349G>A, p.Val1117Ile (NM_001319050.2); c.3367G>A, p.Val1123Ile (NM_001410704.1); c.3352G>A, p.Val1118Ile (NM_004634.3); c.3370G>A (NM_001003694.1); short protein forms V1023I, V1117I, V1118I, V1123I, V1124I.
Identifiers: ClinVar variation 2653497 (VCV002653497.24), dbSNP rs1436939679, ClinGen allele CA351705469.
Genomic context (GRCh38, chr3:9,746,345, plus strand): 5'-TTATTATATCCTCAGATCATTGATCCAAAGATGCCCCGAGAAGGTATGTTCCACCATGGG[G>A]TTCCCATCCCTGTGCCCCCACTGGAGGTGCTGAAACTTGGGGAGCAGATGACCCAGGAAG-3'
Protein context (NP_001003694.1, residues 1114-1134): MPREGMFHHG[Val1124Ile]PIPVPPLEVL